The following is an entry in ClinVar:

NM_006073.4(TRDN):c.1838A>C (p.Lys613Thr)

Gene: TRDN (triadin; minus strand). Cytogenetic location: 6q22.31.
Variant type: single nucleotide variant.
Coding change: c.1838A>C on transcript NM_006073.4 (MANE Select); coding-DNA position 1838, A replaced by C.
Protein change: p.Lys613Thr; replaces lysine 613 with threonine.
Molecular consequence: missense variant.
Genome position (GRCh38, 1-based): chr6:123,259,656, T>G on the plus strand (A>C on the coding strand, the complement: TRDN is on the minus strand). VCF-style: chr6-123259656-T-G. GRCh37 (hg19) VCF-style: chr6-123580801-T-G.
Other names: short protein forms K613T.
Identifiers: ClinVar variation 3973114 (VCV003973114.1).
Genomic context (GRCh38, chr6:123,259,656, plus strand): 5'-TGTATATGTCTTAAAATGTCATTTTTACCTTTACTTTCTTTTTCAGATATTTCAGTTTTC[T>G]TCTTTCCTAGGGGAAAGAAAAACAACAAGAAACCATCATTTTAAAAAACATGACTTTCTT-3'
Protein context (NP_006064.2, residues 603-623): GTSEVTESGK[Lys613Thr]KTEISEKESK

ClinVar aggregate classification (germline): Uncertain significance (1 of 4 stars; one submission).

Conditions:
Cardiovascular phenotype. Identifiers: MedGen CN230736.

gnomAD v4.1: 2 of 1,471,912 alleles (0.00014%); highest among the groups gnomAD compares: Non-Finnish European, 0.000092%; no homozygotes.

Submission:

Ambry Genetics
Classification: Uncertain significance for Cardiovascular phenotype. Last evaluated: 2025-03-23. Review status: criteria provided, single submitter. Criteria: Ambry Variant Classification Scheme 2023. Collection method: clinical testing. Allele origin: germline.
Comment: The p.K613T variant (also known as c.1838A>C), located in coding exon 35 of the TRDN gene, results from an A to C substitution at nucleotide position 1838. The lysine at codon 613 is replaced by threonine, an amino acid with similar properties. This amino acid position is conserved. In addition, this alteration is predicted to be tolerated by in silico analysis. Based on the available evidence, the clinical significance of this variant remains unclear.